The following is an entry in ClinVar:

ClinVar aggregate classification (germline): Uncertain significance (1 of 4 stars; one submission).

Conditions:
Autosomal dominant nocturnal frontal lobe epilepsy 5. Also called: Epilepsy, nocturnal frontal lobe, 5; KCNT1-Related Epilepsy; CILIARY DYSKINESIA, PRIMARY, 28, WITHOUT SITUS INVERSUS; CILIARY DYSKINESIA, PRIMARY, 28, WITH SITUS INVERSUS. Identifiers: Orphanet 98784, MedGen C3554306, MONDO:0014002, OMIM 615005.
Developmental and epileptic encephalopathy, 14 (DEE14). Also called: Early infantile epileptic encephalopathy 14. Identifiers: Orphanet 293181, MedGen C3554195, MONDO:0013989, OMIM 614959.

Submission:

Labcorp Genetics (formerly Invitae), Labcorp
Classification: Uncertain significance for Autosomal dominant nocturnal frontal lobe epilepsy 5; Developmental and epileptic encephalopathy, 14. Last evaluated: 2023-10-13. Review status: criteria provided, single submitter. Criteria: Invitae Variant Classification Sherloc (09022015). Collection method: clinical testing. Allele origin: germline.
Comment: This sequence change replaces isoleucine, which is neutral and non-polar, with threonine, which is neutral and polar, at codon 260 of the KCNT1 protein (p.Ile260Thr). This variant is not present in population databases (gnomAD no frequency). This variant has not been reported in the literature in individuals affected with KCNT1-related conditions. ClinVar contains an entry for this variant (Variation ID: 2130382). Advanced modeling of protein sequence and biophysical properties (such as structural, functional, and spatial information, amino acid conservation, physicochemical variation, residue mobility, and thermodynamic stability) performed at Invitae indicates that this missense variant is not expected to disrupt KCNT1 protein function. In summary, the available evidence is currently insufficient to determine the role of this variant in disease. Therefore, it has been classified as a Variant of Uncertain Significance.

NM_020822.3(KCNT1):c.779T>C (p.Ile260Thr)

Gene: KCNT1 (potassium sodium-activated channel subfamily T member 1; plus strand). Cytogenetic location: 9q34.3.
Variant type: single nucleotide variant.
Coding change: c.779T>C on transcript NM_020822.3 (MANE Select); coding-DNA position 779, T replaced by C.
Protein change: p.Ile260Thr; replaces isoleucine 260 with threonine.
Molecular consequence: missense variant.
Genome position (GRCh38, 1-based): chr9:135,758,433, T>C. VCF-style: chr9-135758433-T-C. GRCh37 (hg19) VCF-style: chr9-138650279-T-C.
Other names: c.635T>C, p.Ile212Thr (NM_001272003.2); short protein forms I212T, I260T.
Identifiers: ClinVar variation 2130382 (VCV002130382.4), dbSNP rs2490848578, ClinGen allele CA375498091.